The following is an entry in ClinVar:

ClinVar aggregate classification (germline): Conflicting classifications of pathogenicity. Review status: criteria provided, conflicting classifications (1 of 4 stars). 3 submissions from 3 submitters: Uncertain significance (1); Benign (1). 1 of the submissions does not count toward it. Last evaluated 2024-09-28.

Conditions:
CLDN1-related disorder. Also called: CLDN1-related condition.

Allele frequency attached by ClinVar (database versions not stated): ESP Exome Variant Server 0.00077; gnomAD 0.00082 and 0.00086; TOPMed 0.00085; 1000 Genomes Project 30x 0.00094; 1000 Genomes Project 0.00100.
gnomAD v4.1: 214 of 1,614,144 alleles (0.013%); highest among the groups gnomAD compares: African/African-American, 0.24%; 1 homozygote.

Submissions (3):

Labcorp Genetics (formerly Invitae), Labcorp
Classification: Benign. Last evaluated: 2024-09-28. Review status: criteria provided, single submitter. Criteria: Invitae Variant Classification Sherloc (09022015). Collection method: clinical testing. Allele origin: germline.

Eurofins Ntd Llc (ga)
Classification: Uncertain significance. Last evaluated: 2016-07-01. Review status: criteria provided, single submitter. Criteria: EGL Classification Definitions 2015. Collection method: clinical testing. Allele origin: germline. Observed: 1 variant allele, 1 heterozygote.

PreventionGenetics, part of Exact Sciences
Classification: Likely benign for CLDN1-related condition. Last evaluated: 2020-07-17. Review status: no assertion criteria provided. Collection method: clinical testing. Allele origin: germline. Not counted in ClinVar's aggregate classification.
Comment: This variant is classified as likely benign based on ACMG/AMP sequence variant interpretation guidelines (Richards et al. 2015 PMID: 25741868, with internal and published modifications).

NM_021101.5(CLDN1):c.195A>G (p.Lys65=)

Genes: CLDN1 (claudin 1; minus strand), CLDN16 (claudin 16; plus strand). Cytogenetic location: 3q28.
Variant type: single nucleotide variant.
Coding change: c.195A>G on transcript NM_021101.5 (MANE Select); coding-DNA position 195, A replaced by G.
Protein change: p.Lys65=; no amino-acid change (lysine 65 retained).
Molecular consequence: synonymous variant.
Genome position (GRCh38, 1-based): chr3:190,322,012, T>C on the plus strand (A>G on the coding strand, the complement: CLDN1 is on the minus strand). VCF-style: chr3-190322012-T-C. GRCh37 (hg19) VCF-style: chr3-190039801-T-C.
Identifiers: ClinVar variation 289199 (VCV000289199.14), dbSNP rs145197251, ClinGen allele CA2753614.
Genomic context (GRCh38, chr3:190,322,012, plus strand): 5'-GGACGGCCGCTGTGAGGTGGGGGTGCACTCACTGCTCAGATTCAGCAAGGAGTCAAAGAC[T>C]TTGCACTGGATCTGCCCGGTGCTCTGCGACACGCAGGACATCCACAGCCCCTCGTACATG-3'
Protein context (NP_066924.1, residues 55-75): VSQSTGQIQC[Lys65=]VFDSLLNLSS